The following is an entry in ClinVar:

ClinVar aggregate classification (germline): Likely pathogenic (1 of 4 stars; one submission).

Conditions:
Branchiootorenal syndrome 1. Also called: Branchio-Oto-Renal Syndrome 1. Identifiers: Orphanet 107, MedGen C4551702, MONDO:0007236, OMIM 113650.

Submission:

Institute of Rare Diseases, West China Hospital, Sichuan University
Classification: Likely pathogenic for Branchiootorenal syndrome 1. Last evaluated: 2025-01-09. Review status: criteria provided, single submitter. Criteria: ClinGen HL ACMG Specifications v1. Collection method: research. Allele origin: germline. Affected: yes.
Comment: PVS1;PM2_Supporting

NM_000503.6(EYA1):c.1673_1698+20del

Gene: EYA1 (EYA transcriptional coactivator and phosphatase 1; minus strand). Cytogenetic location: 8q13.3.
Variant type: Deletion.
Coding change: c.1673_1698+20del on transcript NM_000503.6 (MANE Select); coding-DNA position 1673 through 20 bases into the intron after coding-DNA position 1698, 46 bases deleted.
Molecular consequence: splice donor variant.
Genome position (GRCh38, 1-based): chr8:71,211,136-71,211,181, 46 bases deleted; deleting any 46 consecutive bases within chr8:71,211,136-71,211,189 gives the same sequence; the c. name uses the placement nearest the transcript's 3' end. GRCh37 (hg19): chr8:72,123,379-72,123,424.
Other names: c.1652_1677+20del (NM_001370336.1); c.1760_1785+20del (NM_001370333.1); c.1673_1698+20del (NM_001370335.1, NM_001370334.1, NM_172058.4); c.1655_1680+20del (NM_172059.5, NM_001288574.2); c.1574_1599+20del (NM_001411797.1, NM_172060.4); c.1307_1332+20del (NM_001288575.2).
Identifiers: ClinVar variation 3601103 (VCV003601103.1).
Genomic context (GRCh38, chr8:71,211,135, plus strand): 5'-CCTGTTTAAATGATCCAGTTATGAGAATACTGAGGACTGAAAAAACAAATGAGACAAGAT[GCACCATCTAGGAATGCTCACCTTTTTTGCTCCTTGTTCTTCTTCTA>G]CACCATCTCCTATAACAACATACACCACTTTTCTTCCAAACCTTTGAATTATTCTCTCAA-3'